The following is an entry in ClinVar:

ClinVar aggregate classification (germline): Likely benign. Review status: criteria provided, multiple submitters, no conflicts (2 of 4 stars). 4 submissions from 4 submitters: Likely benign (4). Last evaluated 2026-02-02.

Allele frequency attached by ClinVar (database versions not stated): 1000 Genomes Project 30x 0.00016; 1000 Genomes Project 0.00020; ExAC 0.00033; ESP Exome Variant Server 0.00038; gnomAD exomes 0.00038 and 0.00070; gnomAD 0.00045 and 0.00046; TOPMed 0.00049.
gnomAD v4.1: 1,078 of 1,614,116 alleles (0.067%); highest among the groups gnomAD compares: Non-Finnish European, 0.086%; 1 homozygote.

Submissions (4):

Labcorp Genetics (formerly Invitae), Labcorp
Classification: Likely benign. Last evaluated: 2026-02-02. Review status: criteria provided, single submitter. Criteria: Invitae Variant Classification Sherloc (09022015). Collection method: clinical testing. Allele origin: germline.

Blueprint Genetics
Classification: Likely benign. Last evaluated: 2024-07-02. Review status: criteria provided, single submitter. Criteria: ACMG Guidelines, 2015. Collection method: clinical testing. Allele origin: germline.

CeGaT Center for Human Genetics Tuebingen
Classification: Likely benign. Last evaluated: 2023-11-01. Review status: criteria provided, single submitter. Criteria: CeGaT Center For Human Genetics Tuebingen Variant Classification Criteria Version 2. Collection method: clinical testing. Allele origin: germline. Affected: yes. Observed: 1 variant allele.
Comment: CILK1: BP4, BP7

ARUP Laboratories, Molecular Genetics and Genomics, ARUP Laboratories
Classification: Likely benign. Last evaluated: 2021-02-17. Review status: criteria provided, single submitter. Criteria: ARUP Molecular Germline Variant Investigation Process 2021. Collection method: clinical testing. Allele origin: germline.

NM_014920.5(CILK1):c.453A>G (p.Arg151=)

Gene: CILK1 (ciliogenesis associated kinase 1; minus strand). Cytogenetic location: 6p12.1.
Variant type: single nucleotide variant.
Coding change: c.453A>G on transcript NM_014920.5 (MANE Select); coding-DNA position 453, A replaced by G.
Protein change: p.Arg151=; no amino-acid change (arginine 151 retained).
Molecular consequence: synonymous variant. On other transcripts: non-coding transcript variant (1).
Genome position (GRCh38, 1-based): chr6:53,019,265, T>C on the plus strand (A>G on the coding strand, the complement: CILK1 is on the minus strand). VCF-style: chr6-53019265-T-C. GRCh37 (hg19) VCF-style: chr6-52884063-T-C.
Other names: c.453A>G, p.Arg151= (NM_001375397.1, NM_001375398.1, NM_001375399.1 and 4 more transcripts).
Identifiers: ClinVar variation 1144801 (VCV001144801.39), dbSNP rs149467924, ClinGen allele CA3858791.